The following is an entry in ClinVar:

ClinVar aggregate classification (germline): Uncertain significance (1 of 4 stars; one submission).

Conditions:
KIDINS220-related disorder. Also called: KIDINS220-related condition.

Submission:

PreventionGenetics, part of Exact Sciences
Classification: Uncertain significance for KIDINS220-related condition. Last evaluated: 2026-03-03. Review status: criteria provided, single submitter. Criteria: ACMG Guidelines, 2015. Collection method: clinical testing. Allele origin: germline.
Comment: The KIDINS220 c.196C>A variant is predicted to result in the amino acid substitution p.Leu66Met. To our knowledge, this variant has not been reported in the literature or in a large population database (gnomAD), indicating this variant is rare. At this time, the clinical significance of this variant is uncertain due to the absence of conclusive functional and genetic evidence.

NM_020738.4(KIDINS220):c.196C>A (p.Leu66Met)

Gene: KIDINS220 (kinase D interacting substrate 220; minus strand). Cytogenetic location: 2p25.1.
Variant type: single nucleotide variant.
Coding change: c.196C>A on transcript NM_020738.4 (MANE Select); coding-DNA position 196, C replaced by A.
Protein change: p.Leu66Met; replaces leucine 66 with methionine.
Molecular consequence: missense variant. On other transcripts: non-coding transcript variant (2).
Genome position (GRCh38, 1-based): chr2:8,818,706, G>T on the plus strand (C>A on the coding strand, the complement: KIDINS220 is on the minus strand). VCF-style: chr2-8818706-G-T. GRCh37 (hg19) VCF-style: chr2-8958836-G-T.
Other names: c.196C>A, p.Leu66Met (NM_001348729.2, NM_001348731.2, NM_001348732.2 and 9 more transcripts); c.70C>A, p.Leu24Met (NM_001348736.2); short protein forms L24M, L66M.
Identifiers: ClinVar variation 5000437 (VCV005000437.1).